The following is an entry in ClinVar:

NM_001276345.2(TNNT2):c.893A>G (p.Lys298Arg)

Gene: TNNT2 (troponin T2, cardiac type; minus strand). Cytogenetic location: 1q32.1.
Variant type: single nucleotide variant.
Coding change: c.893A>G on transcript NM_001276345.2 (MANE Select); coding-DNA position 893, A replaced by G.
Protein change: p.Lys298Arg; replaces lysine 298 with arginine.
Molecular consequence: missense variant.
Genome position (GRCh38, 1-based): chr1:201,359,214, T>C on the plus strand (A>G on the coding strand, the complement: TNNT2 is on the minus strand). VCF-style: chr1-201359214-T-C. GRCh37 (hg19) VCF-style: chr1-201328342-T-C.
Other names: c.884A>G, p.Lys295Arg (NM_000364.4, NM_001406723.1); c.863A>G, p.Lys288Arg (NM_001001430.3, NM_001276347.2, NM_001406724.1); c.854A>G, p.Lys285Arg (NM_001001431.3, NM_001406726.1, NM_001406727.1); c.845A>G, p.Lys282Arg (NM_001001432.3); c.764A>G, p.Lys255Arg (NM_001276346.2); c.860A>G, p.Lys287Arg (NM_001406725.1); c.848A>G, p.Lys283Arg (NM_001406728.1); short protein forms K255R, K282R, K283R, K285R, K287R, K288R, K295R, K298R.
Identifiers: ClinVar variation 3386110 (VCV003386110.2).

ClinVar aggregate classification (germline): Uncertain significance. Review status: criteria provided, multiple submitters, no conflicts (2 of 4 stars). 2 submissions from 2 submitters: Uncertain significance (2). Last evaluated 2026-03-11.

Conditions:
Hypertrophic cardiomyopathy 2. Also called: TNNT2-Related Familial Hypertrophic Cardiomyopathy. Identifiers: MedGen C1861864, MONDO:0007266, OMIM 115195.
Cardiomyopathy (CMYO). Also called: Cardiomyopathies. Identifiers: Orphanet 167848, MedGen C0878544, MONDO:0004994, HP:0001638. Inheritance: Various modes of inheritance.

Submissions (2):

Helix
Classification: Uncertain significance for Hypertrophic cardiomyopathy 2. Last evaluated: 2026-03-11. Review status: criteria provided, single submitter. Criteria: ACMG Guidelines, 2015. Collection method: clinical testing. Allele origin: germline. Inheritance: Autosomal dominant inheritance.
Comment: This variant (NM_001276345.2:c.893A>G p.Lys298Arg) results in the substitution of lysine with arginine at codon 298 in the TNNT2 protein. It is a rare variant that is absent from the large gnomAD population database (v4.1). To our knowledge, this variant has not been reported in individuals with TNNT2-related conditions in the published literature. In silico prediction from REVEL (PMID: 27666373) suggests that this variant may be benign. This variant is present in ClinVar (Accession: VCV003386110.1). In conclusion, since the available evidence is limited, the clinical significance of this variant is unclear at this time. Therefore, it is classified as a Variant of Uncertain Significance.

All of Us Research Program, National Institutes of Health
Classification: Uncertain significance for Cardiomyopathy. Last evaluated: 2024-05-30. Review status: criteria provided, single submitter. Criteria: ACMG Guidelines, 2015. Collection method: clinical testing. Allele origin: germline. Inheritance: Autosomal dominant inheritance. Observed: 1 variant allele, 1 heterozygote.
Comment: This missense variant replaces lysine with arginine at codon 288 of the TNNT2 protein. Computational prediction tools indicate that this variant has a neutral impact on protein structure and function. To our knowledge, functional studies have not been reported for this variant. This variant has not been reported in individuals affected with TNNT2-related disorders in the literature. This variant has not been identified in the general population by the Genome Aggregation Database (gnomAD). The available evidence is insufficient to determine the role of this variant in disease conclusively. Therefore, this variant is classified as a Variant of Uncertain Significance.

This study involves interpretation of variants in research participants for the purpose of population health screening. Participant phenotype was not available at the time of variant classification. Additional details can be found in publication PMID: 35346344, PMCID: PMC8962531